The following is an entry in ClinVar:

NM_032119.4(ADGRV1):c.3203G>A (p.Arg1068Lys)

Gene: ADGRV1 (adhesion G protein-coupled receptor V1; plus strand). Cytogenetic location: 5q14.3.
Variant type: single nucleotide variant.
Coding change: c.3203G>A on transcript NM_032119.4 (MANE Select); coding-DNA position 3203, G replaced by A.
Protein change: p.Arg1068Lys; replaces arginine 1068 with lysine.
Molecular consequence: missense variant. On other transcripts: non-coding transcript variant (1).
Genome position (GRCh38, 1-based): chr5:90,647,678, G>A. VCF-style: chr5-90647678-G-A. GRCh37 (hg19) VCF-style: chr5-89943495-G-A.
Other names: short protein forms R1068K.
Identifiers: ClinVar variation 599135 (VCV000599135.12), dbSNP rs202151375, ClinGen allele CA3339122.

ClinVar aggregate classification (germline): Conflicting classifications of pathogenicity. Review status: criteria provided, conflicting classifications (1 of 4 stars). 5 submissions from 5 submitters: Uncertain significance (3); Likely benign (1). 1 of the submissions does not count toward it. Last evaluated 2026-04-13.

Conditions:
ADGRV1-related disorder. Also called: ADGRV1-related condition; ADGRV1-related disorders.
Inborn genetic diseases. Identifiers: MedGen C0950123, MeSH D030342.
Usher syndrome type 2C. Also called: Usher syndrome, type 2B; USHER SYNDROME, TYPE IIC. Identifiers: Orphanet 231178, Orphanet 886, MedGen C2931213, MONDO:0011558, OMIM 605472.

Allele frequency attached by ClinVar (database versions not stated): ExAC 0.00002; gnomAD 0.00006; gnomAD exomes 0.00006 and 0.00014; TOPMed 0.00010.
gnomAD v4.1: 209 of 1,613,820 alleles (0.013%); highest among the groups gnomAD compares: Non-Finnish European, 0.017%; no homozygotes.

Submissions (5):

PreventionGenetics, part of Exact Sciences
Classification: Uncertain significance for ADGRV1-related condition. Last evaluated: 2026-04-13. Review status: criteria provided, single submitter. Criteria: ACMG Guidelines, 2015. Collection method: clinical testing. Allele origin: germline.
Comment: The ADGRV1 c.3203G>A variant is predicted to result in the amino acid substitution p.Arg1068Lys. To our knowledge, this variant has not been reported in the literature. This variant is reported in 0.012% of alleles in individuals of European (Non-Finnish) descent in gnomAD. At this time, the clinical significance of this variant is uncertain due to the absence of conclusive functional and genetic evidence.

Labcorp Genetics (formerly Invitae), Labcorp
Classification: Likely benign. Last evaluated: 2026-01-17. Review status: criteria provided, single submitter. Criteria: Invitae Variant Classification Sherloc (09022015). Collection method: clinical testing. Allele origin: germline.

Blueprint Genetics
Classification: Uncertain significance. Last evaluated: 2024-10-31. Review status: criteria provided, single submitter. Criteria: ACMG Guidelines, 2015. Collection method: clinical testing. Allele origin: germline.

Ambry Genetics
Classification: Uncertain significance for Inborn genetic diseases. Last evaluated: 2022-06-21. Review status: criteria provided, single submitter. Criteria: Ambry Variant Classification Scheme 2023. Collection method: clinical testing. Allele origin: germline.

Bioscientia Institut fuer Medizinische Diagnostik GmbH, Sonic Healthcare
Classification: Uncertain significance for Usher syndrome type 2C. Last evaluated: 2018-05-22. Review status: no assertion criteria provided. Collection method: clinical testing. Allele origin: germline. Affected: yes. Not counted in ClinVar's aggregate classification.